The following is an entry in ClinVar:

NM_001035.3(RYR2):c.40C>T (p.Leu14=)

Gene: RYR2 (ryanodine receptor 2; plus strand). Cytogenetic location: 1q43.
Variant type: single nucleotide variant.
Coding change: c.40C>T on transcript NM_001035.3 (MANE Select); coding-DNA position 40, C replaced by T.
Protein change: p.Leu14=; no amino-acid change (leucine 14 retained).
Molecular consequence: synonymous variant.
Genome position (GRCh38, 1-based): chr1:237,042,561, C>T. VCF-style: chr1-237042561-C-T. GRCh37 (hg19) VCF-style: chr1-237205861-C-T.
Other names: c.40C>T, p.Leu14= (LRG_402t1).
Identifiers: ClinVar variation 238233 (VCV000238233.18), dbSNP rs878854156, ClinGen allele CA10581772.
Genomic context (GRCh38, chr1:237,042,561, plus strand): 5'-CCGGCGAGGAGGCGCGGAACCATGGCCGATGGGGGCGAGGGCGAAGACGAGATCCAGTTC[C>T]TGCGAACTGTAAGCGCCGTGCGTCGCGTGTGCTGTCAGGGGAAGGGGGCGTCAGGGCATC-3'
Protein context (NP_001026.2, residues 4-24): GGEGEDEIQF[Leu14=]RTDDEVVLQC

ClinVar aggregate classification (germline): Likely benign. Review status: criteria provided, multiple submitters, no conflicts (2 of 4 stars). 5 submissions from 5 submitters: Likely benign (5). Last evaluated 2025-12-15.

Conditions:
Catecholaminergic polymorphic ventricular tachycardia (CVPT). Also called: Catecholamine-induced polymorphic ventricular tachycardia. Identifiers: Orphanet 3286, MedGen C5574922, MONDO:0017990.
Cardiomyopathy (CMYO). Also called: Cardiomyopathies. Identifiers: Orphanet 167848, MedGen C0878544, MONDO:0004994, HP:0001638. Inheritance: Various modes of inheritance.
Cardiovascular phenotype. Identifiers: MedGen CN230736.
Catecholaminergic polymorphic ventricular tachycardia 1. Also called: VENTRICULAR TACHYCARDIA, CATECHOLAMINERGIC POLYMORPHIC, 1, WITH OR WITHOUT ATRIAL DYSFUNCTION AND/OR DILATED CARDIOMYOPATHY; RYR2-Related Catecholaminergic Polymorphic Ventricular Tachycardia; VENTRICULAR TACHYCARDIA, STRESS-INDUCED POLYMORPHIC 1. Identifiers: Orphanet 3286, MedGen C1631597, MONDO:0011484, OMIM 604772.

Allele frequency attached by ClinVar (database versions not stated): gnomAD 0.00002; gnomAD exomes 0.00005; TOPMed 0.00005.
gnomAD v4.1: 57 of 1,261,970 alleles (0.0045%); highest among the groups gnomAD compares: Non-Finnish European, 0.0053%; no homozygotes.

Submissions (5):

Labcorp Genetics (formerly Invitae), Labcorp
Classification: Likely benign for Catecholaminergic polymorphic ventricular tachycardia 1. Last evaluated: 2025-12-15. Review status: criteria provided, single submitter. Criteria: Invitae Variant Classification Sherloc (09022015). Collection method: clinical testing. Allele origin: germline.

All of Us Research Program, National Institutes of Health
Classification: Likely benign for Catecholaminergic polymorphic ventricular tachycardia. Last evaluated: 2024-01-11. Review status: criteria provided, single submitter. Criteria: ACMG Guidelines, 2015. Collection method: clinical testing. Allele origin: germline. Inheritance: Autosomal dominant inheritance. Observed: 10 variant alleles, 10 heterozygotes.
Comment: This study involves interpretation of variants in research participants for the purpose of population health screening. Participant phenotype was not available at the time of variant classification. Additional details can be found in publication PMID: 35346344, PMCID: PMC8962531

Ambry Genetics
Classification: Likely benign for Cardiovascular phenotype. Last evaluated: 2019-09-20. Review status: criteria provided, single submitter. Criteria: Ambry Variant Classification Scheme 2023. Collection method: clinical testing. Allele origin: germline.

Color Diagnostics, LLC DBA Color Health
Classification: Likely benign for Cardiomyopathy. Last evaluated: 2019-09-09. Review status: criteria provided, single submitter. Criteria: ACMG Guidelines, 2015. Collection method: clinical testing. Allele origin: germline.

GeneDx
Classification: Likely benign. Last evaluated: 2016-08-05. Review status: criteria provided, single submitter. Criteria: GeneDx Variant Classification (06012015). Collection method: clinical testing. Allele origin: germline. Affected: yes.
Comment: This variant is considered likely benign or benign based on one or more of the following criteria: it is a conservative change, it occurs at a poorly conserved position in the protein, it is predicted to be benign by multiple in silico algorithms, and/or has population frequency not consistent with disease.